The following is an entry in ClinVar:

ClinVar aggregate classification (germline): Uncertain significance. Review status: criteria provided, multiple submitters, no conflicts (2 of 4 stars). 2 submissions from 2 submitters: Uncertain significance (2). Last evaluated 2026-05-07.

Conditions:
Familial hypercholesterolemia. Also called: Familial hypercholesterolemias; Familial hypercholesterolaemia. Identifiers: MedGen C0020445, MONDO:0005439.
Cardiovascular phenotype. Identifiers: MedGen CN230736.

gnomAD v4.1: 9 of 1,522,980 alleles (0.00059%); highest among the groups gnomAD compares: South Asian, 0.0012%; no homozygotes.

Submissions (2):

Cambridge Genomics Laboratory, East Genomic Laboratory Hub, NHS Genomic Medicine Service
Classification: Uncertain significance for Familial hypercholesterolaemia. Last evaluated: 2026-05-07. Review status: criteria provided, single submitter. Criteria: ACGS Best Practice Guidelines for Variant Classification in Rare Disease 2020. Collection method: clinical testing. Allele origin: germline. Affected: yes.
Comment: PM2,PP4

Ambry Genetics
Classification: Uncertain significance for Cardiovascular phenotype. Last evaluated: 2026-03-11. Review status: criteria provided, single submitter. Criteria: Ambry Variant Classification Scheme 2023. Collection method: clinical testing. Allele origin: germline.
Comment: The p.G187V variant (also known as c.560G>T), located in coding exon 3 of the APOE gene, results from a G to T substitution at nucleotide position 560. The glycine at codon 187 is replaced by valine, an amino acid with dissimilar properties. This amino acid position is conserved. In addition, this alteration is predicted to be tolerated by in silico analysis. Based on the available evidence, the clinical significance of this variant remains unclear.

NM_000041.4(APOE):c.560G>T (p.Gly187Val)

Gene: APOE (apolipoprotein E; plus strand). Cytogenetic location: 19q13.32.
Variant type: single nucleotide variant.
Coding change: c.560G>T on transcript NM_000041.4 (MANE Select); coding-DNA position 560, G replaced by T.
Protein change: p.Gly187Val; replaces glycine 187 with valine.
Molecular consequence: missense variant.
Genome position (GRCh38, 1-based): chr19:44,908,856, G>T. VCF-style: chr19-44908856-G-T. GRCh37 (hg19) VCF-style: chr19-45412113-G-T.
Other names: c.560G>T, p.Gly187Val (NM_001302689.2, NM_001302690.2, NM_001302691.2); c.638G>T, p.Gly213Val (NM_001302688.2); short protein forms G187V, G213V.
Identifiers: ClinVar variation 4826760 (VCV004826760.2).